The following is an entry in ClinVar:

NM_001204.7(BMPR2):c.878T>C (p.Leu293Pro)

Gene: BMPR2 (bone morphogenetic protein receptor type 2; plus strand). Cytogenetic location: 2q33.2.
Variant type: single nucleotide variant.
Coding change: c.878T>C on transcript NM_001204.7 (MANE Select); coding-DNA position 878, T replaced by C.
Protein change: p.Leu293Pro; replaces leucine 293 with proline.
Molecular consequence: missense variant.
Genome position (GRCh38, 1-based): chr2:202,520,112, T>C. VCF-style: chr2-202520112-T-C. GRCh37 (hg19) VCF-style: chr2-203384835-T-C.
Other names: short protein forms L293P.
Identifiers: ClinVar variation 3824812 (VCV003824812.1).

ClinVar aggregate classification (germline): Uncertain significance (1 of 4 stars; one submission).

Conditions:
Inborn genetic diseases. Identifiers: MedGen C0950123, MeSH D030342.

gnomAD v4.1: 1 of 1,613,284 alleles (0.000062%); highest among the groups gnomAD compares: Non-Finnish European, 0.000085%; no homozygotes.

Submission:

Ambry Genetics
Classification: Uncertain significance for Inborn genetic diseases. Last evaluated: 2025-01-05. Review status: criteria provided, single submitter. Criteria: Ambry Variant Classification Scheme 2023. Collection method: clinical testing. Allele origin: germline.
Comment: The p.L293P variant (also known as c.878T>C), located in coding exon 7 of the BMPR2 gene, results from a T to C substitution at nucleotide position 878. The leucine at codon 293 is replaced by proline, an amino acid with similar properties. This amino acid position is conserved. In addition, the in silico prediction for this alteration is inconclusive. Based on the available evidence, the clinical significance of this variant remains unclear.